The following is an entry in ClinVar:

ClinVar aggregate classification (germline): Conflicting classifications of pathogenicity. Review status: criteria provided, conflicting classifications (1 of 4 stars). 2 submissions from 2 submitters: Uncertain significance (1); Likely benign (1). Last evaluated 2025-09-17.

Conditions:
Schimke immuno-osseous dysplasia (SIOD). Also called: Schimke Immunoosseous Dysplasia. Identifiers: Orphanet 1830, MedGen C0877024, MONDO:0009458, OMIM 242900.

Allele frequency attached by ClinVar (database versions not stated): gnomAD exomes below 0.00001; gnomAD 0.00001; TOPMed 0.00002.
gnomAD v4.1: 3 of 1,614,060 alleles (0.00019%); highest among the groups gnomAD compares: African/African-American, 0.0027%; no homozygotes.

Submissions (2):

Labcorp Genetics (formerly Invitae), Labcorp
Classification: Likely benign for Schimke immuno-osseous dysplasia. Last evaluated: 2025-09-17. Review status: criteria provided, single submitter. Criteria: Invitae Variant Classification Sherloc (09022015). Collection method: clinical testing. Allele origin: germline.

CeGaT Center for Human Genetics Tuebingen
Classification: Uncertain significance. Last evaluated: 2024-10-01. Review status: criteria provided, single submitter. Criteria: CeGaT Center For Human Genetics Tuebingen Variant Classification Criteria Version 2. Collection method: clinical testing. Allele origin: germline. Affected: yes. Observed: 1 variant allele.
Comment: SMARCAL1: PM2, BP4

NM_014140.4(SMARCAL1):c.2364T>C (p.Asn788=)

Gene: SMARCAL1 (SNF2 related chromatin remodeling annealing helicase 1; plus strand). Cytogenetic location: 2q35.
Variant type: single nucleotide variant.
Coding change: c.2364T>C on transcript NM_014140.4 (MANE Select); coding-DNA position 2364, T replaced by C.
Protein change: p.Asn788=; no amino-acid change (asparagine 788 retained).
Molecular consequence: synonymous variant.
Genome position (GRCh38, 1-based): chr2:216,475,388, T>C. VCF-style: chr2-216475388-T-C. GRCh37 (hg19) VCF-style: chr2-217340111-T-C.
Other names: c.2364T>C, p.Asn788= (NM_001127207.2).
Identifiers: ClinVar variation 763964 (VCV000763964.24), dbSNP rs2066517, ClinGen allele CA65618426.
Genomic context (GRCh38, chr2:216,475,388, plus strand): 5'-CCAGCAGTTCCAACTGTCGGAGAGGCATGCTGTGGCCGTGCTGTCCATCACCGCTGCCAA[T>C]ATGGGCCTCACCTTCTCCTCGGCTGACCTGGTGGTGTTTGCTGAGCTGTTTTGGAACCCA-3'
Protein context (NP_054859.2, residues 778-798): AVAVLSITAA[Asn788=]MGLTFSSADL